The following is an entry in ClinVar:

NM_000053.4(ATP7B):c.3311G>T (p.Cys1104Phe)

Gene: ATP7B (ATPase copper transporting beta; minus strand). Cytogenetic location: 13q14.3.
Variant type: single nucleotide variant.
Coding change: c.3311G>T on transcript NM_000053.4 (MANE Select); coding-DNA position 3311, G replaced by T.
Protein change: p.Cys1104Phe; replaces cysteine 1104 with phenylalanine.
Molecular consequence: missense variant.
Genome position (GRCh38, 1-based): chr13:51,942,487, C>A on the plus strand (G>T on the coding strand, the complement: ATP7B is on the minus strand). VCF-style: chr13-51942487-C-A. GRCh37 (hg19) VCF-style: chr13-52516623-C-A.
Other names: c.3278G>T, p.Cys1093Phe (NM_001406514.1); c.3257G>T, p.Cys1086Phe (NM_001406515.1, NM_001406516.1); c.3215G>T, p.Cys1072Phe (NM_001406517.1, NM_001406518.1); c.3176G>T, p.Cys1059Phe (NM_001406519.1); c.3167G>T, p.Cys1056Phe (NM_001406520.1, NM_001406521.1, NM_001406522.1); c.3128G>T, p.Cys1043Phe (NM_001406523.1); c.2690G>T, p.Cys897Phe (NM_001005918.3); c.2978G>T, p.Cys993Phe (NM_001243182.2); and 19 more; short protein forms C1008F, C1020F, C1024F, C1026F, C1039F, C1043F, C1045F, C1056F.
Identifiers: ClinVar variation 2627196 (VCV002627196.1), dbSNP rs764041557, ClinGen allele CA388028466.

ClinVar aggregate classification (germline): Likely pathogenic (1 of 4 stars; one submission).

Conditions:
Wilson disease (WND). Also called: Wilson's disease. Identifiers: Orphanet 905, MedGen C0019202, MONDO:0010200, OMIM 277900. Disease mechanism: loss of function.

Submission:

Women's Health and Genetics/Laboratory Corporation of America, LabCorp
Classification: Likely pathogenic for Wilson disease. Last evaluated: 2023-09-12. Review status: criteria provided, single submitter. Criteria: LabCorp Variant Classification Summary - May 2015. Collection method: clinical testing. Allele origin: germline.
Comment: Variant summary: ATP7B c.3311G>T (p.Cys1104Phe) results in a non-conservative amino acid change located in the P-type ATPase, haloacid dehalogenase domain (IPR044492) of the encoded protein sequence. Five of five in-silico tools predict a damaging effect of the variant on protein function. The variant was absent in 249570 control chromosomes (gnomAD). c.3311G>T has been reported in the literature in both homozygous and compound heterozygous individuals affected with Wilson Disease (e.g., Loudianos_1999). These data indicate that the variant may be associated with disease. At least two publications report experimental evidence evaluating an impact on protein function, finding that the variant disrupts protein folding and abolishes the copper export capacity of the protein (e.g., Morgan_2004, vandenBerghe_2009). The following publications have been ascertained in the context of this evaluation (PMID: 10544227, 15205462, 19937698). No submitters have reported clinical-significance assessments for this variant to ClinVar after 2014. Additionally, other missense variants disrupting the same codon have been reported in patients with Wilson Disease, including p.Cys1104Tyr (PMIDs: 34324271, 15811015), p.Cys1104Ser (PMID: 25982861), and p.Cys1104Arg (PMIDs: 21219664, 35220961). Based on the evidence outlined above, the variant was classified as likely pathogenic.

Literature cited by the submitters: PubMed 10544227; PubMed 19937698; PubMed 15205462.